The following is an entry in ClinVar:

NM_000535.7(PMS2):c.469G>A (p.Val157Ile)

Gene: PMS2 (PMS1 homolog 2, mismatch repair system component; minus strand). Cytogenetic location: 7p22.1.
Variant type: single nucleotide variant.
Coding change: c.469G>A on transcript NM_000535.7 (MANE Select); coding-DNA position 469, G replaced by A.
Protein change: p.Val157Ile; replaces valine 157 with isoleucine.
Molecular consequence: missense variant. On other transcripts: 5 prime UTR variant (2), non-coding transcript variant (1).
Genome position (GRCh38, 1-based): chr7:6,002,521, C>T on the plus strand (G>A on the coding strand, the complement: PMS2 is on the minus strand). VCF-style: chr7-6002521-C-T. GRCh37 (hg19) VCF-style: chr7-6042152-C-T.
Other names: c.64G>A, p.Val22Ile (NM_001322003.2, NM_001322004.2, NM_001322005.2 and 3 more transcripts); c.469G>A, p.Val157Ile (NM_001322006.2, NM_001322014.2); c.151G>A, p.Val51Ile (NM_001322007.2, NM_001322008.2); c.-416G>A (NM_001322011.2, NM_001322012.2); c.160G>A, p.Val54Ile (NM_001322015.2); short protein forms V157I, V22I, V51I, V54I.
Identifiers: ClinVar variation 484275 (VCV000484275.16), dbSNP rs1554303946, ClinGen allele CA366744290.

ClinVar aggregate classification (germline): Uncertain significance. Review status: criteria provided, multiple submitters, no conflicts (2 of 4 stars). 4 submissions from 4 submitters: Uncertain significance (4). Last evaluated 2024-03-07.

Conditions:
Lynch syndrome. Identifiers: Orphanet 144, MedGen C4552100, MONDO:0005835. Disease mechanism: loss of function.
Hereditary nonpolyposis colorectal neoplasms. Identifiers: MedGen C0009405, MeSH D003123.
Hereditary cancer-predisposing syndrome. Also called: Neoplastic Syndromes, Hereditary; Tumor predisposition; Hereditary Cancer Syndrome; Hereditary neoplastic syndrome. Identifiers: Orphanet 140162, MedGen C0027672, MeSH D009386, MONDO:0015356.

Allele frequency attached by ClinVar (database versions not stated): gnomAD exomes below 0.00001.
gnomAD v4.1: 1 of 1,611,746 alleles (0.000062%); highest among the groups gnomAD compares: Non-Finnish European, 0.000085%; no homozygotes.

Submissions (4):

Ambry Genetics
Classification: Uncertain significance for Hereditary cancer-predisposing syndrome. Last evaluated: 2024-03-07. Review status: criteria provided, single submitter. Criteria: Ambry Variant Classification Scheme 2023. Collection method: clinical testing. Allele origin: germline.
Comment: The p.V157I variant (also known as c.469G>A), located in coding exon 5 of the PMS2 gene, results from a G to A substitution at nucleotide position 469. The valine at codon 157 is replaced by isoleucine, an amino acid with highly similar properties. This amino acid position is highly conserved in available vertebrate species. In addition, the in silico prediction for this alteration is inconclusive. Based on the available evidence, the clinical significance of this alteration remains unclear.

Labcorp Genetics (formerly Invitae), Labcorp
Classification: Uncertain significance for Hereditary nonpolyposis colorectal neoplasms. Last evaluated: 2023-10-13. Review status: criteria provided, single submitter. Criteria: Invitae Variant Classification Sherloc (09022015). Collection method: clinical testing. Allele origin: germline.
Comment: This sequence change replaces valine, which is neutral and non-polar, with isoleucine, which is neutral and non-polar, at codon 157 of the PMS2 protein (p.Val157Ile). This variant is not present in population databases (gnomAD no frequency). This variant has not been reported in the literature in individuals affected with PMS2-related conditions. ClinVar contains an entry for this variant (Variation ID: 484275). Advanced modeling of protein sequence and biophysical properties (such as structural, functional, and spatial information, amino acid conservation, physicochemical variation, residue mobility, and thermodynamic stability) performed at Invitae indicates that this missense variant is not expected to disrupt PMS2 protein function. In summary, the available evidence is currently insufficient to determine the role of this variant in disease. Therefore, it has been classified as a Variant of Uncertain Significance.

All of Us Research Program, National Institutes of Health
Classification: Uncertain significance for Lynch syndrome. Last evaluated: 2023-04-03. Review status: criteria provided, single submitter. Criteria: ACMG Guidelines, 2015. Collection method: clinical testing. Allele origin: germline. Inheritance: Autosomal dominant inheritance. Observed: 1 variant allele, 1 heterozygote.
Comment: This missense variant replaces valine with isoleucine at codon 157 of the PMS2 protein. Computational prediction suggests that this variant may not impact protein structure and function (internally defined REVEL score threshold <= 0.5, PMID: 27666373). To our knowledge, functional studies have not been reported for this variant. This variant has not been reported in individuals affected with PMS2-related disorders in the literature. This variant has not been identified in the general population by the Genome Aggregation Database (gnomAD). The available evidence is insufficient to determine the role of this variant in disease conclusively. Therefore, this variant is classified as a Variant of Uncertain Significance.

This study involves interpretation of variants in research participants for the purpose of population health screening. Participant phenotype was not available at the time of variant classification. Additional details can be found in publication PMID: 35346344, PMCID: PMC8962531

GeneDx
Classification: Uncertain significance. Last evaluated: 2023-03-01. Review status: criteria provided, single submitter. Criteria: GeneDx Variant Classification Process June 2021. Collection method: clinical testing. Allele origin: germline. Affected: yes.
Comment: Not observed at significant frequency in large population cohorts (gnomAD); In silico analysis supports that this missense variant does not alter protein structure/function; Has not been previously published as pathogenic or benign to our knowledge; This variant is associated with the following publications: (PMID: 11574484)